The following is an entry in ClinVar:

NM_000059.4(BRCA2):c.5357G>A (p.Ser1786Asn)

Gene: BRCA2 (BRCA2 DNA repair associated; plus strand). Cytogenetic location: 13q13.1.
Variant type: single nucleotide variant.
Coding change: c.5357G>A on transcript NM_000059.4 (MANE Select); coding-DNA position 5357, G replaced by A.
Protein change: p.Ser1786Asn; replaces serine 1786 with asparagine.
Molecular consequence: missense variant.
Genome position (GRCh38, 1-based): chr13:32,339,712, G>A. VCF-style: chr13-32339712-G-A. GRCh37 (hg19) VCF-style: chr13-32913849-G-A.
Other names: c.5357G>A, p.Ser1786Asn (NM_001406719.1, NM_001406720.1); short protein forms S1786N.
Identifiers: ClinVar variation 1902583 (VCV001902583.8), dbSNP rs2137516744, ClinGen allele CA387785077.

ClinVar aggregate classification (germline): Conflicting classifications of pathogenicity. Review status: criteria provided, conflicting classifications (1 of 4 stars). 3 submissions from 3 submitters: Uncertain significance (1); Likely benign (2). Last evaluated 2026-03-06.

Conditions:
Hereditary cancer-predisposing syndrome. Also called: Tumor predisposition; Hereditary Cancer Syndrome; Hereditary neoplastic syndrome; Neoplastic Syndromes, Hereditary. Identifiers: Orphanet 140162, MedGen C0027672, MeSH D009386, MONDO:0015356.
Hereditary breast ovarian cancer syndrome. Also called: Hereditary breast and ovarian cancer; Hereditary breast and ovarian cancer syndrome (HBOC); BRCA1- and BRCA2-Associated Hereditary Breast and Ovarian Cancer; Hereditary breast and ovarian cancer syndrome; Breast and ovarian cancer; Hereditary breast and/or ovarian cancer syndrome. Identifiers: Orphanet 145, MedGen C0677776, MeSH D061325, MONDO:0003582. Disease mechanism: loss of function.

Submissions (3):

Ambry Genetics
Classification: Likely benign for Hereditary cancer-predisposing syndrome. Last evaluated: 2026-03-06. Review status: criteria provided, single submitter. Criteria: Ambry Variant Classification Scheme 2023. Collection method: clinical testing. Allele origin: germline.

Labcorp Genetics (formerly Invitae), Labcorp
Classification: Uncertain significance for Hereditary breast ovarian cancer syndrome. Last evaluated: 2025-10-19. Review status: criteria provided, single submitter. Criteria: Invitae Variant Classification Sherloc (09022015). Collection method: clinical testing. Allele origin: germline.
Comment: This sequence change replaces serine, which is neutral and polar, with asparagine, which is neutral and polar, at codon 1786 of the BRCA2 protein (p.Ser1786Asn). This variant is not present in population databases (gnomAD no frequency). This variant has not been reported in the literature in individuals affected with BRCA2-related conditions. ClinVar contains an entry for this variant (Variation ID: 1902583). Invitae Evidence Modeling of protein sequence and biophysical properties (such as structural, functional, and spatial information, amino acid conservation, physicochemical variation, residue mobility, and thermodynamic stability) indicates that this missense variant is not expected to disrupt BRCA2 protein function with a negative predictive value of 95%. In summary, the available evidence is currently insufficient to determine the role of this variant in disease. Therefore, it has been classified as a Variant of Uncertain Significance.

University of Washington Department of Laboratory Medicine, University of Washington
Classification: Likely benign for Hereditary cancer-predisposing syndrome. Last evaluated: 2023-03-23. Review status: criteria provided, single submitter. Criteria: Dines et al. (Genet Med. 2020). Collection method: curation. Allele origin: germline.
Comment: Missense variant in a coldspot region where missense variants are very unlikely to be pathogenic (PMID:31911673).

BRCA2 exon 11 coldspot. Reclassification based on statistical prior probability.